The following is an entry in ClinVar:

ClinVar aggregate classification (germline): Uncertain significance (1 of 4 stars; one submission).

Conditions:
Epidermodysplasia verruciformis. Identifiers: Orphanet 302, MedGen C0014522, MONDO:0009176.

Allele frequency attached by ClinVar (database versions not stated): gnomAD exomes below 0.00001; ExAC 0.00001.
gnomAD v4.1: 3 of 1,613,242 alleles (0.00019%); highest among the groups gnomAD compares: South Asian, 0.0011%; no homozygotes.

Submission:

Labcorp Genetics (formerly Invitae), Labcorp
Classification: Uncertain significance for Epidermodysplasia verruciformis. Last evaluated: 2022-11-20. Review status: criteria provided, single submitter. Criteria: Invitae Variant Classification Sherloc (09022015). Collection method: clinical testing. Allele origin: germline.
Comment: This variant is present in population databases (rs778807539, gnomAD 0.003%). In summary, the available evidence is currently insufficient to determine the role of this variant in disease. Therefore, it has been classified as a Variant of Uncertain Significance. Algorithms developed to predict the effect of missense changes on protein structure and function are either unavailable or do not agree on the potential impact of this missense change (SIFT: "Not Available"; PolyPhen-2: "Benign"; Align-GVGD: "Not Available"). This variant has not been reported in the literature in individuals affected with TMC6-related conditions. This sequence change replaces histidine, which is basic and polar, with arginine, which is basic and polar, at codon 499 of the TMC6 protein (p.His499Arg).

NM_001127198.5(TMC6):c.1496A>G (p.His499Arg)

Gene: TMC6 (transmembrane channel like 6; minus strand). Cytogenetic location: 17q25.3.
Variant type: single nucleotide variant.
Coding change: c.1496A>G on transcript NM_001127198.5 (MANE Select); coding-DNA position 1496, A replaced by G.
Protein change: p.His499Arg; replaces histidine 499 with arginine.
Molecular consequence: missense variant. On other transcripts: non-coding transcript variant (4).
Genome position (GRCh38, 1-based): chr17:78,121,052, T>C on the plus strand (A>G on the coding strand, the complement: TMC6 is on the minus strand). VCF-style: chr17-78121052-T-C. GRCh37 (hg19) VCF-style: chr17-76117133-T-C.
Other names: c.1496A>G, p.His499Arg (NM_001321185.1, NM_001374593.1, NM_001374594.1 and 4 more transcripts); short protein forms H499R.
Identifiers: ClinVar variation 2815474 (VCV002815474.3), dbSNP rs778807539, ClinGen allele CA8795730.